The following is an entry in ClinVar:

ClinVar aggregate classification (germline): Uncertain significance (1 of 4 stars; one submission).

Submission:

Labcorp Genetics (formerly Invitae), Labcorp
Classification: Uncertain significance. Last evaluated: 2025-04-09. Review status: criteria provided, single submitter. Criteria: Invitae Variant Classification Sherloc (09022015). Collection method: clinical testing. Allele origin: germline.
Comment: This sequence change replaces lysine, which is basic and polar, with glutamic acid, which is acidic and polar, at codon 1057 of the SUCO protein (p.Lys1057Glu). This variant is not present in population databases (gnomAD no frequency). This variant has not been reported in the literature in individuals affected with SUCO-related conditions. ClinVar contains an entry for this variant (Variation ID: 3692286). An algorithm developed to predict the effect of missense changes on protein structure and function (PolyPhen-2) suggests that this variant is likely to be disruptive. In summary, the available evidence is currently insufficient to determine the role of this variant in disease. Therefore, it has been classified as a Variant of Uncertain Significance.

NM_014283.5(SUCO):c.3169A>G (p.Lys1057Glu)

Gene: SUCO (SUN domain containing ossification factor; plus strand). Cytogenetic location: 1q24.3.
Variant type: single nucleotide variant.
Coding change: c.3169A>G on transcript NM_014283.5 (MANE Select); coding-DNA position 3169, A replaced by G.
Protein change: p.Lys1057Glu; replaces lysine 1057 with glutamic acid.
Molecular consequence: missense variant.
Genome position (GRCh38, 1-based): chr1:172,602,214, A>G. VCF-style: chr1-172602214-A-G. GRCh37 (hg19) VCF-style: chr1-172571354-A-G.
Other names: c.2056A>G, p.Lys686Glu (NM_001282750.2); c.1480A>G, p.Lys494Glu (NM_001282751.2); c.3622A>G, p.Lys1208Glu (NM_016227.4); short protein forms K1057E, K686E, K1208E, K494E.
Identifiers: ClinVar variation 3692286 (VCV003692286.2).
Genomic context (GRCh38, chr1:172,602,214, plus strand): 5'-TCTCAATTTGATGGAGATTATATTTCAAAACTTCCTAAAAGTAATCAGTATCCAAGCCCT[A>G]AAAGGTAATATCAGCATTATATTTCACAATTTTATTTTTTTTACTATGCTTTGTATATTT-3'
Protein context (NP_055098.1, residues 1047-1067): LPKSNQYPSP[Lys1057Glu]RCFSSYDDMN